The following is an entry in ClinVar:

NM_153460.4(IL17RC):c.105+1G>C

Gene: IL17RC (interleukin 17 receptor C; plus strand). Cytogenetic location: 3p25.3.
Variant type: single nucleotide variant.
Coding change: c.105+1G>C on transcript NM_153460.4 (MANE Select); the canonical splice donor site of the intron after coding-DNA position 105, G replaced by C.
Molecular consequence: splice donor variant. On other transcripts: missense variant (1).
Genome position (GRCh38, 1-based): chr3:9,917,421, G>C. VCF-style: chr3-9917421-G-C. GRCh37 (hg19) VCF-style: chr3-9959105-G-C.
Other names: c.106G>C, p.Val36Leu (NM_153461.4); c.105+1G>C (NM_001203263.2, NM_001203264.2, NM_001367278.1 and 5 more transcripts); short protein forms V36L.
Identifiers: ClinVar variation 1716199 (VCV001716199.6), dbSNP rs748422918, ClinGen allele CA2246659.

ClinVar aggregate classification (germline): Uncertain significance (1 of 4 stars; one submission).

Conditions:
Candidiasis, familial, 9 (CANDF9). Identifiers: Orphanet 1334, MedGen C4225324, MONDO:0014642, OMIM 616445.

Allele frequency attached by ClinVar (database versions not stated): ExAC 0.00001; gnomAD 0.00001; gnomAD exomes 0.00001; TOPMed 0.00001.
gnomAD v4.1: 6 of 1,614,094 alleles (0.00037%); highest among the groups gnomAD compares: Non-Finnish European, 0.00051%; no homozygotes.

Submission:

Labcorp Genetics (formerly Invitae), Labcorp
Classification: Uncertain significance for Candidiasis, familial, 9. Last evaluated: 2024-06-17. Review status: criteria provided, single submitter. Criteria: Invitae Variant Classification Sherloc (09022015). Collection method: clinical testing. Allele origin: germline.
Comment: This sequence change replaces valine, which is neutral and non-polar, with leucine, which is neutral and non-polar, at codon 36 of the IL17RC protein (p.Val36Leu). This variant is present in population databases (rs748422918, gnomAD 0.002%). This variant has not been reported in the literature in individuals affected with IL17RC-related conditions. ClinVar contains an entry for this variant (Variation ID: 1716199). An algorithm developed to predict the effect of missense changes on protein structure and function (PolyPhen-2) suggests that this variant is likely to be tolerated. In summary, the available evidence is currently insufficient to determine the role of this variant in disease. Therefore, it has been classified as a Variant of Uncertain Significance.